The following is an entry in ClinVar:

ClinVar aggregate classification (germline): Likely benign (1 of 4 stars; one submission).

Submission:

CeGaT Center for Human Genetics Tuebingen
Classification: Likely benign. Last evaluated: 2026-09-01. Review status: criteria provided, single submitter. Criteria: CeGaT Center For Human Genetics Tuebingen Variant Classification Criteria Version 2. Collection method: clinical testing. Allele origin: germline. Affected: yes. Observed: 1 variant allele.
Comment: SHANK3: BP4, BP7

NM_001372044.2(SHANK3):c.2404C>A (p.Arg802=)

Gene: SHANK3 (SH3 and multiple ankyrin repeat domains 3; plus strand). Cytogenetic location: 22q13.33.
Variant type: single nucleotide variant.
Coding change: c.2404C>A on transcript NM_001372044.2 (MANE Select); coding-DNA position 2404, C replaced by A.
Protein change: p.Arg802=; no amino-acid change (arginine 802 retained).
Molecular consequence: synonymous variant.
Genome position (GRCh38, 1-based): chr22:50,714,961, C>A. VCF-style: chr22-50714961-C-A. GRCh37 (hg19) VCF-style: chr22-51153389-C-A.
Identifiers: ClinVar variation 5041279 (VCV005041279.1).